The following is an entry in ClinVar:

NM_002972.4(SBF1):c.2502G>A (p.Val834=)

Gene: SBF1 (SET binding factor 1; minus strand). Cytogenetic location: 22q13.33.
Variant type: single nucleotide variant.
Coding change: c.2502G>A on transcript NM_002972.4 (MANE Select); coding-DNA position 2502, G replaced by A.
Protein change: p.Val834=; no amino-acid change (valine 834 retained).
Molecular consequence: synonymous variant.
Genome position (GRCh38, 1-based): chr22:50,462,014, C>T on the plus strand (G>A on the coding strand, the complement: SBF1 is on the minus strand). VCF-style: chr22-50462014-C-T. GRCh37 (hg19) VCF-style: chr22-50900443-C-T.
Other names: p.Val834=; c.2505G>A, p.Val835= (NM_001365819.1).
Identifiers: ClinVar variation 1539519 (VCV001539519.33), dbSNP rs201203951, ClinGen allele CA10317182.

ClinVar aggregate classification (germline): Benign/Likely benign. Review status: criteria provided, multiple submitters, no conflicts (2 of 4 stars). 4 submissions from 4 submitters: Benign (1); Likely benign (3). Last evaluated 2026-02-10.

Allele frequency attached by ClinVar (database versions not stated): ESP Exome Variant Server 0.00008; gnomAD exomes 0.00014 and 0.00024; 1000 Genomes Project 30x 0.00016; gnomAD 0.00016; TOPMed 0.00016; ExAC 0.00017; 1000 Genomes Project 0.00020.
gnomAD v4.1: 249 of 1,614,222 alleles (0.015%); highest among the groups gnomAD compares: Non-Finnish European, 0.0056%; no homozygotes.

Submissions (4):

Women's Health and Genetics/Laboratory Corporation of America, LabCorp
Classification: Likely benign. Last evaluated: 2026-02-10. Review status: criteria provided, single submitter. Criteria: LabCorp Variant Classification Summary - May 2015. Collection method: clinical testing. Allele origin: germline.

Labcorp Genetics (formerly Invitae), Labcorp
Classification: Benign. Last evaluated: 2025-09-05. Review status: criteria provided, single submitter. Criteria: Invitae Variant Classification Sherloc (09022015). Collection method: clinical testing. Allele origin: germline.

Mayo Clinic Laboratories, Mayo Clinic
Classification: Likely benign. Last evaluated: 2025-04-26. Review status: criteria provided, single submitter. Criteria: ACMG Guidelines, 2015. Collection method: clinical testing. Allele origin: germline. Observed: 2 variant alleles.
Comment: BS1, BP4, BP7

CeGaT Center for Human Genetics Tuebingen
Classification: Likely benign. Last evaluated: 2022-10-01. Review status: criteria provided, single submitter. Criteria: CeGaT Center For Human Genetics Tuebingen Variant Classification Criteria Version 2. Collection method: clinical testing. Allele origin: germline. Affected: yes. Observed: 1 variant allele.
Comment: SBF1: BP4, BP7